The following is an entry in ClinVar:

NM_016599.5(MYOZ2):c.221A>G (p.Gln74Arg)

Gene: MYOZ2 (myozenin 2; plus strand). Cytogenetic location: 4q26.
Variant type: single nucleotide variant.
Coding change: c.221A>G on transcript NM_016599.5 (MANE Select); coding-DNA position 221, A replaced by G.
Protein change: p.Gln74Arg; replaces glutamine 74 with arginine.
Molecular consequence: missense variant.
Genome position (GRCh38, 1-based): chr4:119,151,016, A>G. VCF-style: chr4-119151016-A-G. GRCh37 (hg19) VCF-style: chr4-120072171-A-G.
Other names: short protein forms Q74R.
Identifiers: ClinVar variation 1787895 (VCV001787895.4), dbSNP rs531506148, ClinGen allele CA3058561.
Genomic context (GRCh38, chr4:119,151,016, plus strand): 5'-GTGCCAGGCTATTTAAGATGCGTCAAAGAAGATCTGACAAATACACATTTGAAAATTTCC[A>G]GTATCAATCTAGAGCACAAATAAATGTAGGTATAACTTGAACAGGTAGTATCCAAATGAA-3'
Protein context (NP_057683.1, residues 64-84): RSDKYTFENF[Gln74Arg]YQSRAQINHS

ClinVar aggregate classification (germline): Uncertain significance. Review status: criteria provided, multiple submitters, no conflicts (2 of 4 stars). 2 submissions from 2 submitters: Uncertain significance (2). Last evaluated 2025-03-19.

Conditions:
Hypertrophic cardiomyopathy 16. Identifiers: MedGen C3151204, MONDO:0013455, OMIM 613838.
Cardiovascular phenotype. Identifiers: MedGen CN230736.

Allele frequency attached by ClinVar (database versions not stated): 1000 Genomes Project 0.00020; gnomAD exomes below 0.00001; TOPMed 0.00001; gnomAD 0.00001; ExAC 0.00002; 1000 Genomes Project 30x 0.00016.
gnomAD v4.1: 7 of 1,613,134 alleles (0.00043%); highest among the groups gnomAD compares: East Asian, 0.013%; no homozygotes.

Submissions (2):

Revvity Omics, Revvity
Classification: Uncertain significance for Hypertrophic cardiomyopathy 16. Last evaluated: 2025-03-19. Review status: criteria provided, single submitter. Criteria: ACMG Guidelines, 2015. Collection method: clinical testing. Allele origin: germline.

Ambry Genetics
Classification: Uncertain significance for Cardiovascular phenotype. Last evaluated: 2024-08-19. Review status: criteria provided, single submitter. Criteria: Ambry Variant Classification Scheme 2023. Collection method: clinical testing. Allele origin: germline.
Comment: The p.Q74R variant (also known as c.221A>G), located in coding exon 2 of the MYOZ2 gene, results from an A to G substitution at nucleotide position 221. The glutamine at codon 74 is replaced by arginine, an amino acid with highly similar properties. This amino acid position is not well conserved in available vertebrate species. In addition, this alteration is predicted to be tolerated by in silico analysis. The evidence for this gene-disease relationship is limited; therefore, the clinical significance of this alteration is unclear.